The following is an entry in ClinVar:

ClinVar aggregate classification (germline): Likely pathogenic (1 of 4 stars; one submission).

Conditions:
Leber congenital amaurosis (LCA). Also called: Leber's amaurosis. Identifiers: Orphanet 65, MedGen C0339527, MeSH D057130, MONDO:0018998.

Submission:

Natera, Inc.
Classification: Likely pathogenic for Leber congenital amaurosis. Last evaluated: 2024-05-16. Review status: criteria provided, single submitter. Criteria: Natera Variant Classification Schema (03/2026). Collection method: clinical testing. Allele origin: germline.
Comment: The c.6817A>T variant in CEP290 is a nonsense variant predicted to introduce a stop codon at amino acid 2273. This variant is expected to result in nonsense mediated decay, truncation, or a dysfunctional protein product. This variant is rare in the general population with a frequency below the threshold expected for the associated phenotype(s). Given the available evidence, this variant is classified as Likely Pathogenic.

NM_025114.4(CEP290):c.6817A>T (p.Arg2273Ter)

Gene: CEP290 (centrosomal protein 290; minus strand). Cytogenetic location: 12q21.32.
Variant type: single nucleotide variant.
Coding change: c.6817A>T on transcript NM_025114.4 (MANE Select); coding-DNA position 6817, A replaced by T.
Protein change: p.Arg2273Ter; replaces arginine 2273 with a stop codon.
Molecular consequence: nonsense.
Genome position (GRCh38, 1-based): chr12:88,058,849, T>A on the plus strand (A>T on the coding strand, the complement: CEP290 is on the minus strand). VCF-style: chr12-88058849-T-A. GRCh37 (hg19) VCF-style: chr12-88452626-T-A.
Other names: short protein forms R2273*.
Identifiers: ClinVar variation 4816236 (VCV004816236.1).